The following is an entry in ClinVar:

NM_001083962.2(TCF4):c.389A>G (p.Asp130Gly)

Gene: TCF4 (transcription factor 4; minus strand). Cytogenetic location: 18q21.2.
Variant type: single nucleotide variant.
Coding change: c.389A>G on transcript NM_001083962.2 (MANE Select); coding-DNA position 389, A replaced by G.
Protein change: p.Asp130Gly; replaces aspartic acid 130 with glycine.
Molecular consequence: missense variant. On other transcripts: 5 prime UTR variant (4).
Genome position (GRCh38, 1-based): chr18:55,350,984, T>C on the plus strand (A>G on the coding strand, the complement: TCF4 is on the minus strand). VCF-style: chr18-55350984-T-C. GRCh37 (hg19) VCF-style: chr18-53018215-T-C.
Other names: p.D130G:GAC>GGC; c.389A>G, p.Asp130Gly (NM_001369574.1, NM_003199.3, NM_001369567.1 and 5 more transcripts); c.317A>G, p.Asp106Gly (NM_001369575.1, NM_001369577.1, NM_001369579.1 and 9 more transcripts); c.314A>G, p.Asp105Gly (NM_001369576.1, NM_001369578.1, NM_001369581.1 and 3 more transcripts); c.386A>G, p.Asp129Gly (NM_001369569.1, NM_001369570.1, NM_001369573.1); c.263A>G, p.Asp88Gly (NM_001348211.2, NM_001243231.2); c.-2A>G (NM_001348212.2, NM_001348213.2, NM_001243233.2 and 1 more transcripts); c.695A>G, p.Asp232Gly (NM_001243226.3); and 2 more; short protein forms D130G, D128G, D232G, D59G, D105G, D106G, D129G, D88G.
Identifiers: ClinVar variation 207530 (VCV000207530.2), dbSNP rs796053414, ClinGen allele CA319096.

ClinVar aggregate classification (germline): Uncertain significance (1 of 4 stars; one submission).

Submission:

GeneDx
Classification: Uncertain significance. Last evaluated: 2013-02-22. Review status: criteria provided, single submitter. Criteria: GeneDx Variant Classification (06012015). Collection method: clinical testing. Allele origin: germline. Affected: yes.
Comment: p.Asp130Gly (GAC>GGC): c.389 A>G in exon 7 of the TCF4 gene (NM_001083962.1). The Asp130Gly missense change has not been published as a mutation, nor has it been reported as a benign polymorphism to our knowledge. The NHLBI ESP Exome Variant Project has not identified Asp130Gly in approximately 6,500 individuals of European or African American ethnicity, indicating that it is not a common benign variant in these populations. The amino acid substitution is non-conservative as a negatively charged, polar Aspartic acid residue is replaced by an uncharged, non-polar Glycine residue. Asp130Gly alters a position that is conserved in the TCF4 protein but is not located in a known functional domain, whereas all previously published pathogenic missense mutations have been identified in the functional domains of the TCF4 protein (Whalen et al., 2012). Several in-silico algorithms predict that Asp130Gly is damaging to the structure/function of the protein; however, one model suggests it is likely benign. Therefore, based on the currently available information, it is unclear whether Asp130Gly is a disease-causing mutation or a rare benign variant. The variant is found in EPILEPSY panel(s).